The following is an entry in ClinVar:

NM_014233.4(UBTF):c.1279GAG[1] (p.Glu428del)

Genes: ATXN7L3-AS1 (ATXN7L3 antisense RNA 1; plus strand), UBTF (upstream binding transcription factor; minus strand), LOC121587595 (Sharpr-MPRA regulatory region 7848; plus strand). Cytogenetic location: 17q21.31.
Variant type: Microsatellite.
Coding change: c.1279GAG[1] on transcript NM_014233.4 (MANE Select); one copy of the 3-base unit GAG starting at c.1279; the reference has two copies in a row; one copy, 3 bases deleted.
Protein change: p.Glu428del; deletes glutamic acid 428.
Molecular consequence: inframe deletion. On other transcripts: non-coding transcript variant (1).
Genome position (GRCh38, 1-based): chr17:44,210,867-44,210,869, CTC deleted on the plus strand (GAG on the coding strand, the reverse complement: UBTF is on the minus strand); deleting any 3 consecutive bases within chr17:44,210,867-44,210,874 gives the same sequence; the position shown is the placement nearest the transcript's 3' end. VCF-style (leftmost placement, unchanged base first): chr17-44210866-GCTC-G. GRCh37 (hg19) VCF-style: chr17-42288234-GCTC-G.
Other names: c.1168GAG[1], p.Glu391del (NM_001076683.2, NM_001076684.3); short protein forms E391del, E428del.
Identifiers: ClinVar variation 1307382 (VCV001307382.2), dbSNP rs2144535123, ClinGen allele CA2580613145.

ClinVar aggregate classification (germline): Uncertain significance (1 of 4 stars; one submission).

Submission:

GeneDx
Classification: Uncertain significance. Last evaluated: 2019-07-18. Review status: criteria provided, single submitter. Criteria: GeneDx Variant Classification Process June 2021. Collection method: clinical testing. Allele origin: germline. Affected: yes.
Comment: Not observed in large population cohorts (Lek et al., 2016); In-frame deletion of 1 amino acid in a non-repeat region; In silico analysis, which includes protein predictors and evolutionary conservation, supports that this variant does not alter protein structure/function; Has not been previously published as pathogenic or benign to our knowledge